The following is an entry in ClinVar:

ClinVar aggregate classification (germline): Uncertain significance. Review status: criteria provided, multiple submitters, no conflicts (2 of 4 stars). 2 submissions from 2 submitters: Uncertain significance (2). Last evaluated 2025-12-16.

Conditions:
Hereditary cancer-predisposing syndrome. Also called: Hereditary neoplastic syndrome; Neoplastic Syndromes, Hereditary; Tumor predisposition; Hereditary Cancer Syndrome. Identifiers: Orphanet 140162, MedGen C0027672, MeSH D009386, MONDO:0015356.
Familial adenomatous polyposis 1 (FAP1). Also called: FAMILIAL ADENOMATOUS POLYPOSIS 1, ATTENUATED; POLYPOSIS, ADENOMATOUS INTESTINAL. Identifiers: MedGen C2713442, MONDO:0021056, OMIM 175100. Disease mechanism: loss of function.

Submissions (2):

Labcorp Genetics (formerly Invitae), Labcorp
Classification: Uncertain significance for Familial adenomatous polyposis 1. Last evaluated: 2025-12-16. Review status: criteria provided, single submitter. Criteria: Invitae Variant Classification Sherloc (09022015). Collection method: clinical testing. Allele origin: germline.
Comment: This sequence change replaces serine, which is neutral and polar, with threonine, which is neutral and polar, at codon 98 of the APC protein (p.Ser98Thr). This variant is not present in population databases (gnomAD no frequency). This variant has not been reported in the literature in individuals affected with APC-related conditions. ClinVar contains an entry for this variant (Variation ID: 4121632). Invitae Evidence Modeling of protein sequence and biophysical properties (such as structural, functional, and spatial information, amino acid conservation, physicochemical variation, residue mobility, and thermodynamic stability) indicates that this missense variant is not expected to disrupt APC protein function with a negative predictive value of 95%. In summary, the available evidence is currently insufficient to determine the role of this variant in disease. Therefore, it has been classified as a Variant of Uncertain Significance.

Ambry Genetics
Classification: Uncertain significance for Hereditary cancer-predisposing syndrome. Last evaluated: 2025-08-24. Review status: criteria provided, single submitter. Criteria: Ambry Variant Classification Scheme 2023. Collection method: clinical testing. Allele origin: germline.
Comment: The p.S98T variant (also known as c.293G>C), located in coding exon 3 of the APC gene, results from a G to C substitution at nucleotide position 293. The serine at codon 98 is replaced by threonine, an amino acid with similar properties. This amino acid position is conserved. In addition, in silico predictors for this gene do not accurately predict pathogenicity. Based on the available evidence, the clinical significance of this variant remains unclear.

NM_000038.6(APC):c.293G>C (p.Ser98Thr)

Gene: APC (APC regulator of Wnt signaling pathway; plus strand). Cytogenetic location: 5q22.2.
Variant type: single nucleotide variant.
Coding change: c.293G>C on transcript NM_000038.6 (MANE Select); coding-DNA position 293, G replaced by C.
Protein change: p.Ser98Thr; replaces serine 98 with threonine.
Molecular consequence: missense variant. On other transcripts: 5 prime UTR variant (4), non-coding transcript variant (2).
Genome position (GRCh38, 1-based): chr5:112,767,261, G>C. VCF-style: chr5-112767261-G-C. GRCh37 (hg19) VCF-style: chr5-112102958-G-C.
Other names: c.293G>C, p.Ser98Thr (NM_001127510.3, NM_001354895.2, NM_001354896.2 and 16 more transcripts); c.323G>C, p.Ser108Thr (NM_001127511.3, NM_001354897.2, NM_001354902.2 and 1 more transcripts); c.218G>C, p.Ser73Thr (NM_001354898.2, NM_001354904.2, NM_001407451.1); c.116G>C, p.Ser39Thr (NM_001354900.2, NM_001354901.2, NM_001354905.2 and 1 more transcripts); c.-743G>C (NM_001354906.2, NM_001407470.1, NM_001407471.1 and 1 more transcripts); short protein forms S39T, S108T, S73T, S98T.
Identifiers: ClinVar variation 4121632 (VCV004121632.2).